The following is an entry in ClinVar:

ClinVar aggregate classification (germline): Benign (1 of 4 stars; one submission).

Allele frequency attached by ClinVar (database versions not stated): TOPMed below 0.00001; gnomAD exomes 0.00001.
gnomAD v4.1: 12 of 1,064,760 alleles (0.0011%); highest among the groups gnomAD compares: Non-Finnish European, 0.0014%; no homozygotes.

Submission:

GeneDx
Classification: Benign. Last evaluated: 2014-09-17. Review status: criteria provided, single submitter. Criteria: GeneDx Variant Classification (06012015). Collection method: clinical testing. Allele origin: germline. Affected: yes.
Comment: This variant is considered likely benign or benign based on one or more of the following criteria: it is a conservative change, it occurs at a poorly conserved position in the protein, it is predicted to be benign by multiple in silico algorithms, and/or has population frequency not consistent with disease.

NM_000455.5(STK11):c.*29A>G

Gene: STK11 (serine/threonine kinase 11; plus strand). Cytogenetic location: 19p13.3.
Variant type: single nucleotide variant.
Coding change: c.*29A>G on transcript NM_000455.5 (MANE Select); 29 bases downstream of the stop codon, A replaced by G.
Molecular consequence: 3 prime UTR variant.
Genome position (GRCh38, 1-based): chr19:1,227,605, A>G. VCF-style: chr19-1227605-A-G. GRCh37 (hg19) VCF-style: chr19-1227604-A-G.
Identifiers: ClinVar variation 182894 (VCV000182894.2), dbSNP rs730881968, ClinGen allele CA022800.